The following is an entry in ClinVar:

ClinVar aggregate classification (germline): Likely benign (1 of 4 stars; one submission).

Conditions:
NYX-related disorder. Also called: NYX-related condition.

Submission:

PreventionGenetics, part of Exact Sciences
Classification: Likely benign for NYX-related condition. Last evaluated: 2025-03-26. Review status: criteria provided, single submitter. Criteria: ACMG Guidelines, 2015. Collection method: clinical testing. Allele origin: germline.
Comment: This variant is classified as likely benign based on ACMG/AMP sequence variant interpretation guidelines (Richards et al. 2015 PMID: 25741868, with internal and published modifications).

NM_001378477.3(NYX):c.198G>C (p.Arg66=)

Gene: NYX (nyctalopin; plus strand). Cytogenetic location: Xp11.4.
Variant type: single nucleotide variant.
Coding change: c.198G>C on transcript NM_001378477.3 (MANE Select); coding-DNA position 198, G replaced by C.
Protein change: p.Arg66=; no amino-acid change (arginine 66 retained).
Molecular consequence: synonymous variant.
Genome position (GRCh38, 1-based): chrX:41,473,666, G>C. VCF-style: chrX-41473666-G-C. GRCh37 (hg19) VCF-style: chrX-41332919-G-C.
Other names: c.198G>C, p.Arg66= (NM_022567.3).
Identifiers: ClinVar variation 4980578 (VCV004980578.1).
Genomic context (GRCh38, chrX:41,473,666, plus strand): 5'-GGGCCTCCTGCGGGTGCCGGCCGAGCTCCCGTGCGAGGCGGTCTCCATCGACCTGGACCG[G>C]AACGGCCTGCGCTTCCTGGGCGAGCGAGCCTTCGGCACGCTGCCGTCCTTGCGCCGCCTG-3'
Protein context (NP_001365406.2, residues 56-76): PCEAVSIDLD[Arg66=]NGLRFLGERA